The following is an entry in ClinVar:

NM_001130823.3(DNMT1):c.1911C>T (p.Thr637=)

Gene: DNMT1 (DNA methyltransferase 1; minus strand). Cytogenetic location: 19p13.2.
Variant type: single nucleotide variant.
Coding change: c.1911C>T on transcript NM_001130823.3 (MANE Select); coding-DNA position 1911, C replaced by T.
Protein change: p.Thr637=; no amino-acid change (threonine 637 retained).
Molecular consequence: synonymous variant.
Genome position (GRCh38, 1-based): chr19:10,154,401, G>A on the plus strand (C>T on the coding strand, the complement: DNMT1 is on the minus strand). VCF-style: chr19-10154401-G-A. GRCh37 (hg19) VCF-style: chr19-10265077-G-A.
Other names: c.1911C>T (NM_001130823.2, LRG_362t1); c.1863C>T, p.Thr621= (NM_001318730.2, NM_001379.4); c.1548C>T, p.Thr516= (NM_001318731.2).
Identifiers: ClinVar variation 539614 (VCV000539614.28), dbSNP rs745677290, ClinGen allele CA9188169.
Genomic context (GRCh38, chr19:10,154,401, plus strand): 5'-TCTGTCATCCTTTTCAATTTGCTCTGCGAAGAAAGTATCGAAGATCTGGTAGACCAGCTT[G>A]GTGGTGGTGGCTTTCGTGGGTCCCCTGTCCTTCTCCCTGGTAGAATGCCTGATGGTCTGC-3'
Protein context (NP_001124295.1, residues 627-647): KDRGPTKATT[Thr637=]KLVYQIFDTF

ClinVar aggregate classification (germline): Likely benign. Review status: criteria provided, multiple submitters, no conflicts (2 of 4 stars). 3 submissions from 3 submitters: Likely benign (3). Last evaluated 2026-05-09.

Conditions:
DNMT1-related disorder. Also called: DNMT1-related condition. Identifiers: MedGen CN381527.
Hereditary sensory neuropathy-deafness-dementia syndrome. Also called: HSN IE; Hereditary sensory neuropathy type IE; Hereditary Sensory and Autonomic Neuropathy Type 1E (HSAN1E); NEUROPATHY, HEREDITARY SENSORY, WITH HEARING LOSS AND DEMENTIA. Identifiers: Orphanet 456318, MedGen C3279885, MONDO:0013584, OMIM 614116.

Allele frequency attached by ClinVar (database versions not stated): gnomAD exomes 0.00001 and 0.00003; ExAC 0.00002; gnomAD 0.00003; TOPMed 0.00003.
gnomAD v4.1: 25 of 1,614,126 alleles (0.0015%); highest among the groups gnomAD compares: Non-Finnish European, 0.0021%; no homozygotes.

Submissions (3):

PreventionGenetics, part of Exact Sciences
Classification: Likely benign for DNMT1-related condition. Last evaluated: 2026-05-09. Review status: criteria provided, single submitter. Criteria: ACMG Guidelines, 2015. Collection method: clinical testing. Allele origin: germline.
Comment: This variant is classified as likely benign based on ACMG/AMP sequence variant interpretation guidelines (Richards et al. 2015 PMID: 25741868, with internal and published modifications).

Labcorp Genetics (formerly Invitae), Labcorp
Classification: Likely benign for Hereditary sensory neuropathy-deafness-dementia syndrome. Last evaluated: 2024-09-27. Review status: criteria provided, single submitter. Criteria: Invitae Variant Classification Sherloc (09022015). Collection method: clinical testing. Allele origin: germline.

CeGaT Center for Human Genetics Tuebingen
Classification: Likely benign. Last evaluated: 2024-07-01. Review status: criteria provided, single submitter. Criteria: CeGaT Center For Human Genetics Tuebingen Variant Classification Criteria Version 2. Collection method: clinical testing. Allele origin: germline. Affected: yes. Observed: 1 variant allele.
Comment: DNMT1: BP4, BP7